The following is an entry in ClinVar:

ClinVar aggregate classification (germline): Likely benign. Review status: criteria provided, multiple submitters, no conflicts (2 of 4 stars). 3 submissions from 3 submitters: Likely benign (3). Last evaluated 2026-01-01.

Allele frequency attached by ClinVar (database versions not stated): ESP Exome Variant Server 0.00031.
gnomAD v4.1: 167 of 1,613,954 alleles (0.01%); highest among the groups gnomAD compares: Middle Eastern, 0.3%; 2 homozygotes.

Submissions (3):

CeGaT Center for Human Genetics Tuebingen
Classification: Likely benign. Last evaluated: 2026-01-01. Review status: criteria provided, single submitter. Criteria: CeGaT Center For Human Genetics Tuebingen Variant Classification Criteria Version 2. Collection method: clinical testing. Allele origin: germline. Affected: yes. Observed: 1 variant allele.
Comment: CDK5RAP2: BP4, BP7

Labcorp Genetics (formerly Invitae), Labcorp
Classification: Likely benign. Last evaluated: 2025-03-10. Review status: criteria provided, single submitter. Criteria: Invitae Variant Classification Sherloc (09022015). Collection method: clinical testing. Allele origin: germline.

Blueprint Genetics
Classification: Likely benign. Last evaluated: 2024-11-26. Review status: criteria provided, single submitter. Criteria: ACMG Guidelines, 2015. Collection method: clinical testing. Allele origin: germline.

NM_018249.6(CDK5RAP2):c.3006C>G (p.Pro1002=)

Gene: CDK5RAP2 (CDK5 regulatory subunit associated protein 2; minus strand). Cytogenetic location: 9q33.2.
Variant type: single nucleotide variant.
Coding change: c.3006C>G on transcript NM_018249.6 (MANE Select); coding-DNA position 3006, C replaced by G.
Protein change: p.Pro1002=; no amino-acid change (proline 1002 retained).
Molecular consequence: synonymous variant. On other transcripts: non-coding transcript variant (5).
Genome position (GRCh38, 1-based): chr9:120,447,914, G>C on the plus strand (C>G on the coding strand, the complement: CDK5RAP2 is on the minus strand). VCF-style: chr9-120447914-G-C. GRCh37 (hg19) VCF-style: chr9-123210192-G-C.
Other names: c.3006C>G, p.Pro1002= (NM_001011649.3); c.2316C>G, p.Pro772= (NM_001272039.2); c.2907C>G, p.Pro969= (NM_001410992.1); c.2910C>G, p.Pro970= (NM_001410993.1); c.3003C>G, p.Pro1001= (NM_001410994.1).
Identifiers: ClinVar variation 2759963 (VCV002759963.8), dbSNP rs149463541, ClinGen allele CA5213940.